The following is an entry in ClinVar:

NM_017841.4(SDHAF2):c.158C>T (p.Pro53Leu)

Gene: SDHAF2 (succinate dehydrogenase complex assembly factor 2; plus strand). Cytogenetic location: 11q12.2.
Variant type: single nucleotide variant.
Coding change: c.158C>T on transcript NM_017841.4 (MANE Select); coding-DNA position 158, C replaced by T.
Protein change: p.Pro53Leu; replaces proline 53 with leucine.
Molecular consequence: missense variant.
Genome position (GRCh38, 1-based): chr11:61,437,746, C>T. VCF-style: chr11-61437746-C-T. GRCh37 (hg19) VCF-style: chr11-61205218-C-T.
Other names: short protein forms P53L.
Identifiers: ClinVar variation 201602 (VCV000201602.14), dbSNP rs562958122, ClinGen allele CA017313.

ClinVar aggregate classification (germline): Uncertain significance. Review status: criteria provided, multiple submitters, no conflicts (2 of 4 stars). 3 submissions from 3 submitters: Uncertain significance (3). Last evaluated 2025-11-14.

Conditions:
Hereditary cancer-predisposing syndrome. Also called: Tumor predisposition; Hereditary neoplastic syndrome; Neoplastic Syndromes, Hereditary; Hereditary Cancer Syndrome. Identifiers: Orphanet 140162, MedGen C0027672, MeSH D009386, MONDO:0015356.
Hereditary pheochromocytoma and paraganglioma. Also called: Hereditary paragangliomas and pheochromocytomas; Hereditary Paraganglioma-Pheochromocytoma Syndromes; Hereditary pheochromocytoma-paraganglioma. Identifiers: Orphanet 29072, MedGen C4274332, MONDO:0017366.

Allele frequency attached by ClinVar (database versions not stated): gnomAD below 0.00001 and 0.00003; gnomAD exomes below 0.00001 and 0.00001; ExAC 0.00001; 1000 Genomes Project 30x 0.00016; 1000 Genomes Project 0.00020.

Submissions (3):

Ambry Genetics
Classification: Uncertain significance for Hereditary cancer-predisposing syndrome. Last evaluated: 2025-11-14. Review status: criteria provided, single submitter. Criteria: Ambry Variant Classification Scheme 2023. Collection method: clinical testing. Allele origin: germline.
Comment: The p.P53L variant (also known as c.158C>T), located in coding exon 2 of the SDHAF2 gene, results from a C to T substitution at nucleotide position 158. The proline at codon 53 is replaced by leucine, an amino acid with similar properties. This variant was reported in individual(s) with features consistent with SDHAF2-related hereditary pheochromocytoma-paraganglioma (Ambry internal data). This amino acid position is highly conserved in available vertebrate species. In addition, the in silico prediction for this alteration is inconclusive. Based on the available evidence, the clinical significance of this variant remains unclear.

Labcorp Genetics (formerly Invitae), Labcorp
Classification: Uncertain significance for Hereditary pheochromocytoma and paraganglioma. Last evaluated: 2025-08-07. Review status: criteria provided, single submitter. Criteria: Invitae Variant Classification Sherloc (09022015). Collection method: clinical testing. Allele origin: germline.
Comment: This sequence change replaces proline, which is neutral and non-polar, with leucine, which is neutral and non-polar, at codon 53 of the SDHAF2 protein (p.Pro53Leu). This variant is present in population databases (rs562958122, gnomAD 0.003%). This variant has not been reported in the literature in individuals affected with SDHAF2-related conditions. ClinVar contains an entry for this variant (Variation ID: 201602). An algorithm developed to predict the effect of missense changes on protein structure and function (PolyPhen-2) suggests that this variant is likely to be disruptive. In summary, the available evidence is currently insufficient to determine the role of this variant in disease. Therefore, it has been classified as a Variant of Uncertain Significance.

Quest Diagnostics Nichols Institute San Juan Capistrano
Classification: Uncertain significance. Last evaluated: 2025-03-28. Review status: criteria provided, single submitter. Criteria: Quest Diagnostics criteria. Collection method: clinical testing. Allele origin: unknown.
Comment: The SDHAF2 c.158C>T (p.Pro53Leu) variant has not been reported in individuals with SDHAF2-related conditions in the published literature. The frequency of this variant in the general population (Genome Aggregation Database) is uninformative in the assessment of its pathogenicity. Analysis of this variant using bioinformatics tools for the prediction of the effect of amino acid changes on protein structure and function yielded predictions that this variant is damaging. Based on the available information, we are unable to determine the clinical significance of this variant.